The following is an entry in ClinVar:

ClinVar aggregate classification (germline): Benign/Likely benign. Review status: criteria provided, multiple submitters, no conflicts (2 of 4 stars). 4 submissions from 4 submitters: Benign (3); Likely benign (1). Last evaluated 2026-01-29.

Conditions:
Severe dermatitis-multiple allergies-metabolic wasting syndrome. Also called: ERYTHRODERMA, CONGENITAL, WITH PALMOPLANTAR KERATODERMA, HYPOTRICHOSIS, RECURRENT INFECTIONS, AND MULTIPLE FOOD ALLERGIES; SEVERE DERMATITIS, MULTIPLE ALLERGIES, AND METABOLIC WASTING SYNDROME; SAM SYNDROME; Erythroderma, congenital, with palmoplantar keratoderma, hypotrichosis, and hyper-ige. Identifiers: Orphanet 369992, MedGen C3809719, MONDO:0014218, OMIM 615508.
Palmoplantar keratoderma i, striate, focal, or diffuse. Also called: Keratosis Palmoplantaris Striata I, AD; KERATODERMA, PALMOPLANTAR, STRIATE FORM I; STRIATE PALMOPLANTAR KERATODERMA I; PALMOPLANTAR KERATODERMA I, STRIATE OR DIFFUSE; PALMOPLANTAR KERATODERMA I, FOCAL; KERATOSIS PALMOPLANTARIS STRIATA I. Identifiers: Orphanet 369999, Orphanet 370002, MedGen C2931122, MONDO:0007859, OMIM 148700.

Allele frequency attached by ClinVar (database versions not stated): ESP Exome Variant Server 0.00146; TOPMed 0.00165; 1000 Genomes Project 0.00240; 1000 Genomes Project 30x 0.00250.
gnomAD v4.1: 3,913 of 1,614,080 alleles (0.24%); highest among the groups gnomAD compares: South Asian, 1.2%; 21 homozygotes.

Submissions (4):

Labcorp Genetics (formerly Invitae), Labcorp
Classification: Benign. Last evaluated: 2026-01-29. Review status: criteria provided, single submitter. Criteria: Invitae Variant Classification Sherloc (09022015). Collection method: clinical testing. Allele origin: germline.

CeGaT Center for Human Genetics Tuebingen
Classification: Benign. Last evaluated: 2023-01-01. Review status: criteria provided, single submitter. Criteria: CeGaT Center For Human Genetics Tuebingen Variant Classification Criteria Version 2. Collection method: clinical testing. Allele origin: germline. Affected: yes. Observed: 3 variant alleles.
Comment: DSG1: BP4, BP7, BS1, BS2

Fulgent Genetics
Classification: Likely benign for Palmoplantar keratoderma i, striate, focal, or diffuse; Severe dermatitis-multiple allergies-metabolic wasting syndrome. Last evaluated: 2021-09-21. Review status: criteria provided, single submitter. Criteria: ACMG Guidelines, 2015. Collection method: clinical testing. Allele origin: unknown.

Breakthrough Genomics
Classification: Benign. Review status: criteria provided, single submitter. Criteria: ACMG Guidelines, 2015. Collection method: not provided. Allele origin: germline. Inheritance: Autosomal recessive inheritance. Affected: yes.

NM_001942.4(DSG1):c.2622C>T (p.Gly874=)

Genes: DSG1-AS1 (DSG1 antisense RNA 1; minus strand), DSG1 (desmoglein 1; plus strand), LOC126862720 (MED14-independent group 3 enhancer GRCh37_chr18:28933613-28934812; plus strand). Cytogenetic location: 18q12.1.
Variant type: single nucleotide variant.
Coding change: c.2622C>T on transcript NM_001942.4 (MANE Select); coding-DNA position 2622, C replaced by T.
Protein change: p.Gly874=; no amino-acid change (glycine 874 retained).
Molecular consequence: synonymous variant.
Genome position (GRCh38, 1-based): chr18:31,354,818, C>T. VCF-style: chr18-31354818-C-T. GRCh37 (hg19) VCF-style: chr18-28934781-C-T.
Identifiers: ClinVar variation 781729 (VCV000781729.36), dbSNP rs149729348, ClinGen allele CA8926412.